The following is an entry in ClinVar:

NM_139242.4(MTFMT):c.885C>T (p.Val295=)

Gene: MTFMT (mitochondrial methionyl-tRNA formyltransferase; minus strand). Cytogenetic location: 15q22.31.
Variant type: single nucleotide variant.
Coding change: c.885C>T on transcript NM_139242.4 (MANE Select); coding-DNA position 885, C replaced by T.
Protein change: p.Val295=; no amino-acid change (valine 295 retained).
Molecular consequence: synonymous variant.
Genome position (GRCh38, 1-based): chr15:65,006,120, G>A on the plus strand (C>T on the coding strand, the complement: MTFMT is on the minus strand). VCF-style: chr15-65006120-G-A. GRCh37 (hg19) VCF-style: chr15-65298458-G-A.
Identifiers: ClinVar variation 378176 (VCV000378176.45), dbSNP rs202082622, ClinGen allele CA7613220.

ClinVar aggregate classification (germline): Benign/Likely benign. Review status: criteria provided, multiple submitters, no conflicts (2 of 4 stars). 5 submissions from 5 submitters: Benign (1); Likely benign (4). Last evaluated 2026-06-27.

Conditions:
MTFMT-related disorder. Also called: MTFMT-related condition.

Allele frequency attached by ClinVar (database versions not stated): ESP Exome Variant Server 0.00042; TOPMed 0.00045; gnomAD 0.00054 and 0.00058; gnomAD exomes 0.00061 and 0.00080; ExAC 0.00072.
gnomAD v4.1: 1,238 of 1,611,886 alleles (0.077%); highest among the groups gnomAD compares: Non-Finnish European, 0.097%; 5 homozygotes.

Submissions (5):

PreventionGenetics, part of Exact Sciences
Classification: Likely benign for MTFMT-related condition. Last evaluated: 2026-06-27. Review status: criteria provided, single submitter. Criteria: ACMG Guidelines, 2015. Collection method: clinical testing. Allele origin: germline.
Comment: This variant is classified as likely benign based on ACMG/AMP sequence variant interpretation guidelines (Richards et al. 2015 PMID: 25741868, with internal and published modifications).

Labcorp Genetics (formerly Invitae), Labcorp
Classification: Benign. Last evaluated: 2026-01-12. Review status: criteria provided, single submitter. Criteria: Invitae Variant Classification Sherloc (09022015). Collection method: clinical testing. Allele origin: germline.

Blueprint Genetics
Classification: Likely benign. Last evaluated: 2024-11-19. Review status: criteria provided, single submitter. Criteria: ACMG Guidelines, 2015. Collection method: clinical testing. Allele origin: germline.

CeGaT Center for Human Genetics Tuebingen
Classification: Likely benign. Last evaluated: 2024-02-01. Review status: criteria provided, single submitter. Criteria: CeGaT Center For Human Genetics Tuebingen Variant Classification Criteria Version 2. Collection method: clinical testing. Allele origin: germline. Affected: yes. Observed: 7 variant alleles.
Comment: MTFMT: BP4, BP7

GeneDx
Classification: Likely benign. Last evaluated: 2020-12-10. Review status: criteria provided, single submitter. Criteria: GeneDx Variant Classification Process June 2021. Collection method: clinical testing. Allele origin: germline. Affected: yes.